The following is an entry in ClinVar:

NM_020778.5(ALPK3):c.3609dup (p.Ser1204fs)

Gene: ALPK3 (alpha kinase 3; plus strand). Cytogenetic location: 15q25.3.
Variant type: Duplication.
Coding change: c.3609dup on transcript NM_020778.5 (MANE Select); coding-DNA position 3609, one base duplicated (G; older notation c.3609dupG).
Protein change: p.Ser1204fs; shifts the reading frame from serine 1204.
Molecular consequence: frameshift variant.
Genome position (GRCh38, 1-based): chr15:84,858,347, G duplicated; the last of 3 consecutive G bases (chr15:84,858,345-84,858,347); duplicating any one gives the same sequence. VCF-style (leftmost placement, unchanged base first): chr15-84858344-T-TG. GRCh37 (hg19) VCF-style: chr15-85401575-T-TG.
Other names: short protein forms S1204fs.
Identifiers: ClinVar variation 2664924 (VCV002664924.1), dbSNP rs2505722433, ClinGen allele CA2695197332.
Genomic context (GRCh38, chr15:84,858,344, plus strand): 5'-ACCTGAAGAAAGGGAGAGCCCCACGGTTTCCCCCCGGGGGCCCAGGAAAAGCCTGGTGCC[T>TG]GGGTCCCCAGGGACTCCAGGGCGGGAGAGACGCTCCCCTACGCAGGGCAGAAAGGCGAGC-3'

ClinVar aggregate classification (germline): Likely pathogenic (1 of 4 stars; one submission).

Conditions:
Cardiomyopathy, familial hypertrophic 27. Identifiers: MedGen C4748014, MONDO:0054838, OMIM 618052.

Submission:

Neuberg Centre For Genomic Medicine, NCGM
Classification: Likely pathogenic for Cardiomyopathy, familial hypertrophic 27. Last evaluated: 2023-03-01. Review status: criteria provided, single submitter. Criteria: ACMG Guidelines, 2015. Collection method: clinical testing. Allele origin: germline. Inheritance: Autosomal recessive inheritance. Affected: yes.
Comment: The frameshift c.3609dup(p.Ser1204ValfsTer52) variant in ALPK3 gene has not been reported previously as a pathogenic variant nor a benign variant, to our knowledge. The p.Ser1204ValfsTer52 variant is novel (not in any individuals) in gnomAD Exomes and 1000 Genomes. This variant has not been reported to the ClinVar database. This variant causes a frameshift starting with codon Serine 1204, changes this amino acid to Valine residue, and creates a premature Stop codon at position 52 of the new reading frame, denoted p.Ser1204ValfsTer52. This variant is predicted to cause loss of normal protein function through protein truncation. Loss of function variants have been previously reported to be disease causing. For these reasons, this variant has been classified as Likely Pathogenic.